The following is an entry in ClinVar:

NM_015046.7(SETX):c.3545A>T (p.Asn1182Ile)

Gene: SETX (senataxin; minus strand). Cytogenetic location: 9q34.13.
Variant type: single nucleotide variant.
Coding change: c.3545A>T on transcript NM_015046.7 (MANE Select); coding-DNA position 3545, A replaced by T.
Protein change: p.Asn1182Ile; replaces asparagine 1182 with isoleucine.
Molecular consequence: missense variant.
Genome position (GRCh38, 1-based): chr9:132,328,053, T>A on the plus strand (A>T on the coding strand, the complement: SETX is on the minus strand). VCF-style: chr9-132328053-T-A. GRCh37 (hg19) VCF-style: chr9-135203440-T-A.
Other names: c.3545A>T, p.Asn1182Ile (NM_001351527.2, NM_001351528.2); short protein forms N1182I.
Identifiers: ClinVar variation 3336101 (VCV003336101.2).

ClinVar aggregate classification (germline): Uncertain significance. Review status: criteria provided, multiple submitters, no conflicts (2 of 4 stars). 2 submissions from 2 submitters: Uncertain significance (2). Last evaluated 2024-05-21.

gnomAD v4.1: 6 of 1,614,046 alleles (0.00037%); highest among the groups gnomAD compares: African/African-American, 0.008%; no homozygotes.

Submissions (2):

Athena Diagnostics
Classification: Uncertain significance. Last evaluated: 2024-05-21. Review status: criteria provided, single submitter. Criteria: Athena Diagnostics Criteria. Collection method: clinical testing. Allele origin: unknown.
Comment: Available data are insufficient to determine the clinical significance of the variant at this time. The frequency of this variant in the general population is uninformative in assessment of its pathogenicity. Polyphen and MutationTaster predict this amino acid change may be benign.

Women's Health and Genetics/Laboratory Corporation of America, LabCorp
Classification: Uncertain significance. Last evaluated: 2024-05-08. Review status: criteria provided, single submitter. Criteria: LabCorp Variant Classification Summary - May 2015. Collection method: clinical testing. Allele origin: germline.
Comment: Variant summary: SETX c.3545A>T (p.Asn1182Ile) results in a non-conservative amino acid change in the encoded protein sequence. Three of five in-silico tools predict a benign effect of the variant on protein function. The variant allele was found at a frequency of 4e-06 in 251326 control chromosomes. The available data on variant occurrences in the general population are insufficient to allow any conclusion about variant significance. To our knowledge, no occurrence of c.3545A>T in individuals affected with Amyotrophic Lateral Sclerosis Type 4 and no experimental evidence demonstrating its impact on protein function have been reported. No submitters have cited clinical-significance assessments for this variant to ClinVar. Based on the evidence outlined above, the variant was classified as uncertain significance.